The following is an entry in ClinVar:

NM_001042492.3(NF1):c.1759_1760insTAGTT (p.Ser587fs)

Gene: NF1 (neurofibromin 1; plus strand). Cytogenetic location: 17q11.2.
Variant type: Insertion.
Coding change: c.1759_1760insTAGTT on transcript NM_001042492.3 (MANE Select); coding-DNA positions 1759 to 1760, TAGTT inserted.
Protein change: p.Ser587fs; shifts the reading frame from serine 587.
Molecular consequence: frameshift variant.
Genome position: GRCh38 VCF-style: chr17-31223481-A-ATAGTT. GRCh37 (hg19) VCF-style: chr17-29550499-A-ATAGTT.
Other names: c.1759_1760insTAGTT, p.Ser587Ilefs (NM_000267.4); short protein forms S587fs.
Identifiers: ClinVar variation 848008 (VCV000848008.6), dbSNP rs2066962730, ClinGen allele CA916080575.

ClinVar aggregate classification (germline): Pathogenic (1 of 4 stars; one submission).

Conditions:
Neurofibromatosis, type 1 (NF1). Also called: Neurofibromatosis, type I; VON RECKLINGHAUSEN DISEASE; Peripheral type neurofibromatosis; NEUROFIBROMATOSIS, TYPE I, SOMATIC. Identifiers: Orphanet 636, MedGen C0027831, MONDO:0018975, OMIM 162200. Disease mechanism: loss of function.

Submission:

Labcorp Genetics (formerly Invitae), Labcorp
Classification: Pathogenic for Neurofibromatosis, type 1. Last evaluated: 2019-03-16. Review status: criteria provided, single submitter. Criteria: Invitae Variant Classification Sherloc (09022015). Collection method: clinical testing. Allele origin: germline.
Comment: For these reasons, this variant has been classified as Pathogenic. Loss-of-function variants in NF1 are known to be pathogenic (PMID: 10712197, 23913538). This variant has not been reported in the literature in individuals with NF1-related conditions. This variant is not present in population databases (ExAC no frequency). This sequence change creates a premature translational stop signal (p.Ser587Ilefs*20) in the NF1 gene. It is expected to result in an absent or disrupted protein product.

Literature cited by the submitters: PubMed 10712197; PubMed 23913538.